The following is an entry in ClinVar:

ClinVar aggregate classification (germline): Uncertain significance. Review status: criteria provided, multiple submitters, no conflicts (2 of 4 stars). 2 submissions from 2 submitters: Uncertain significance (2). Last evaluated 2026-04-09.

Conditions:
T-cell immunodeficiency, congenital alopecia, and nail dystrophy. Also called: Congenital alopecia and nail dystrophy associated with severe functional T-cell immunodeficiency; Pignata Guarino syndrome. Identifiers: Orphanet 169095, MedGen C1866426, MONDO:0011132, OMIM 601705.
FOXN1-related disorder. Also called: FOXN1-related condition.

Allele frequency attached by ClinVar (database versions not stated): TOPMed 0.00002.
gnomAD v4.1: 13 of 1,611,976 alleles (0.00081%); highest among the groups gnomAD compares: Non-Finnish European, 0.0011%; no homozygotes.

Submissions (2):

PreventionGenetics, part of Exact Sciences
Classification: Uncertain significance for FOXN1-related condition. Last evaluated: 2026-04-09. Review status: criteria provided, single submitter. Criteria: ACMG Guidelines, 2015. Collection method: clinical testing. Allele origin: germline.
Comment: The FOXN1 c.67C>A variant is predicted to result in the amino acid substitution p.Arg23Ser. To our knowledge, this variant has not been reported in the literature. This variant is reported in 0.0041% of alleles in individuals of African descent in gnomAD. At this time, the clinical significance of this variant is uncertain due to the absence of conclusive functional and genetic evidence.

Labcorp Genetics (formerly Invitae), Labcorp
Classification: Uncertain significance for T-cell immunodeficiency, congenital alopecia, and nail dystrophy. Last evaluated: 2025-11-28. Review status: criteria provided, single submitter. Criteria: Invitae Variant Classification Sherloc (09022015). Collection method: clinical testing. Allele origin: germline.
Comment: This sequence change replaces arginine, which is basic and polar, with serine, which is neutral and polar, at codon 23 of the FOXN1 protein (p.Arg23Ser). This variant is present in population databases (no rsID available, gnomAD 0.004%). This variant has not been reported in the literature in individuals affected with FOXN1-related conditions. ClinVar contains an entry for this variant (Variation ID: 856911). An algorithm developed to predict the effect of missense changes on protein structure and function outputs the following: PolyPhen-2: "Benign". The serine amino acid residue is found in multiple mammalian species, which suggests that this missense change does not adversely affect protein function. In summary, the available evidence is currently insufficient to determine the role of this variant in disease. Therefore, it has been classified as a Variant of Uncertain Significance.

NM_001369369.1(FOXN1):c.67C>A (p.Arg23Ser)

Gene: FOXN1 (forkhead box N1; plus strand). Cytogenetic location: 17q11.2.
Variant type: single nucleotide variant.
Coding change: c.67C>A on transcript NM_001369369.1 (MANE Select); coding-DNA position 67, C replaced by A.
Protein change: p.Arg23Ser; replaces arginine 23 with serine.
Molecular consequence: missense variant.
Genome position (GRCh38, 1-based): chr17:28,524,036, C>A. VCF-style: chr17-28524036-C-A. GRCh37 (hg19) VCF-style: chr17-26851054-C-A.
Other names: c.67C>A, p.Arg23Ser (NM_003593.3); short protein forms R23S.
Identifiers: ClinVar variation 856911 (VCV000856911.6), dbSNP rs745398444, ClinGen allele CA398320191.